The following is an entry in ClinVar:

NM_013266.4(CTNNA3):c.914A>G (p.Glu305Gly)

Gene: CTNNA3 (catenin alpha 3; minus strand). Cytogenetic location: 10q21.3.
Variant type: single nucleotide variant.
Coding change: c.914A>G on transcript NM_013266.4 (MANE Select); coding-DNA position 914, A replaced by G.
Protein change: p.Glu305Gly; replaces glutamic acid 305 with glycine.
Molecular consequence: missense variant.
Genome position (GRCh38, 1-based): chr10:67,180,450, T>C on the plus strand (A>G on the coding strand, the complement: CTNNA3 is on the minus strand). VCF-style: chr10-67180450-T-C. GRCh37 (hg19) VCF-style: chr10-68940208-T-C.
Other names: c.914A>G, p.Glu305Gly (NM_001127384.3); c.950A>G, p.Glu317Gly (NM_001291133.2); short protein forms E317G, E305G.
Identifiers: ClinVar variation 2801637 (VCV002801637.3), dbSNP rs2547990575, ClinGen allele CA377096980.

ClinVar aggregate classification (germline): Uncertain significance (1 of 4 stars; one submission).

Conditions:
Arrhythmogenic right ventricular dysplasia 13. Also called: ARRHYTHMOGENIC RIGHT VENTRICULAR CARDIOMYOPATHY 13; Arrhythmogenic right ventricular dysplasia, familial, 13. Identifiers: MedGen C3810138, MONDO:0000908, OMIM 615616.

Submission:

Labcorp Genetics (formerly Invitae), Labcorp
Classification: Uncertain significance for Arrhythmogenic right ventricular dysplasia 13. Last evaluated: 2024-01-15. Review status: criteria provided, single submitter. Criteria: Invitae Variant Classification Sherloc (09022015). Collection method: clinical testing. Allele origin: germline.
Comment: This sequence change replaces glutamic acid, which is acidic and polar, with glycine, which is neutral and non-polar, at codon 305 of the CTNNA3 protein (p.Glu305Gly). This variant is not present in population databases (gnomAD no frequency). This variant has not been reported in the literature in individuals affected with CTNNA3-related conditions. Advanced modeling of protein sequence and biophysical properties (such as structural, functional, and spatial information, amino acid conservation, physicochemical variation, residue mobility, and thermodynamic stability) performed at Invitae indicates that this missense variant is expected to disrupt CTNNA3 protein function with a positive predictive value of 80%. In summary, the available evidence is currently insufficient to determine the role of this variant in disease. Therefore, it has been classified as a Variant of Uncertain Significance.